The following is an entry in ClinVar:

ClinVar aggregate classification (germline): Likely benign. Review status: criteria provided, multiple submitters, no conflicts (2 of 4 stars). 2 submissions from 2 submitters: Likely benign (2). Last evaluated 2025-12-31.

Allele frequency attached by ClinVar (database versions not stated): gnomAD 0.00001 and 0.00003; gnomAD exomes 0.00005 and 0.00006; TOPMed 0.00006; ExAC 0.00007; ESP Exome Variant Server 0.00008.
gnomAD v4.1: 83 of 1,613,622 alleles (0.0051%); highest among the groups gnomAD compares: Middle Eastern, 0.049%; no homozygotes.

Submissions (2):

Labcorp Genetics (formerly Invitae), Labcorp
Classification: Likely benign. Last evaluated: 2025-12-31. Review status: criteria provided, single submitter. Criteria: Invitae Variant Classification Sherloc (09022015). Collection method: clinical testing. Allele origin: germline.

CeGaT Center for Human Genetics Tuebingen
Classification: Likely benign. Last evaluated: 2024-08-01. Review status: criteria provided, single submitter. Criteria: CeGaT Center For Human Genetics Tuebingen Variant Classification Criteria Version 2. Collection method: clinical testing. Allele origin: germline. Affected: yes. Observed: 2 variant alleles.
Comment: XPA: BP4, BP7

NM_000380.4(XPA):c.696C>T (p.Ser232=)

Gene: XPA (XPA, DNA damage recognition and repair factor; minus strand). Cytogenetic location: 9q22.33.
Variant type: single nucleotide variant.
Coding change: c.696C>T on transcript NM_000380.4 (MANE Select); coding-DNA position 696, C replaced by T.
Protein change: p.Ser232=; no amino-acid change (serine 232 retained).
Molecular consequence: synonymous variant. On other transcripts: non-coding transcript variant (5).
Genome position (GRCh38, 1-based): chr9:97,675,565, G>A on the plus strand (C>T on the coding strand, the complement: XPA is on the minus strand). VCF-style: chr9-97675565-G-A. GRCh37 (hg19) VCF-style: chr9-100437847-G-A.
Other names: c.570C>T, p.Ser190= (NM_001354975.2).
Identifiers: ClinVar variation 794378 (VCV000794378.32), dbSNP rs368677003, ClinGen allele CA5148702.